The following is an entry in ClinVar:

ClinVar aggregate classification (germline): Pathogenic (1 of 4 stars; one submission).

Submission:

GeneDx
Classification: Pathogenic. Last evaluated: 2026-03-04. Review status: criteria provided, single submitter. Criteria: GeneDx Variant Classification Process June 2021. Collection method: clinical testing. Allele origin: germline.
Comment: Canonical splice site variant predicted to result in a null allele in a gene for which loss of function is a known mechanism of disease; Not observed at significant frequency in large population cohorts (gnomAD); Identified in a patient with clinical features consistent with a KATNB1-related disorder in published literature (PMID: 25521378); Also known as IVS9-1G>A; This variant is associated with the following publications: (PMID: 25521378)

NM_005886.3(KATNB1):c.1047-1G>A

Gene: KATNB1 (katanin regulatory subunit B1; plus strand). Cytogenetic location: 16q21.
Variant type: single nucleotide variant.
Coding change: c.1047-1G>A on transcript NM_005886.3 (MANE Select); the canonical splice acceptor site of the intron before coding-DNA position 1047, G replaced by A.
Molecular consequence: splice acceptor variant.
Genome position (GRCh38, 1-based): chr16:57,753,388, G>A. VCF-style: chr16-57753388-G-A. GRCh37 (hg19) VCF-style: chr16-57787300-G-A.
Identifiers: ClinVar variation 4888075 (VCV004888075.1).